The following is an entry in ClinVar:

NM_015512.5(DNAH1):c.7833A>C (p.Glu2611Asp)

Gene: DNAH1 (dynein axonemal heavy chain 1; plus strand). Cytogenetic location: 3p21.1.
Variant type: single nucleotide variant.
Coding change: c.7833A>C on transcript NM_015512.5 (MANE Select); coding-DNA position 7833, A replaced by C.
Protein change: p.Glu2611Asp; replaces glutamic acid 2611 with aspartic acid.
Molecular consequence: missense variant.
Genome position (GRCh38, 1-based): chr3:52,382,347, A>C. VCF-style: chr3-52382347-A-C. GRCh37 (hg19) VCF-style: chr3-52416363-A-C.
Other names: c.7833A>C (NM_015512.4); short protein forms E2611D.
Identifiers: ClinVar variation 2176391 (VCV002176391.5), dbSNP rs953849724, ClinGen allele CA74770981.

ClinVar aggregate classification (germline): Uncertain significance. Review status: criteria provided, multiple submitters, no conflicts (2 of 4 stars). 2 submissions from 2 submitters: Uncertain significance (2). Last evaluated 2025-05-25.

Conditions:
Ciliary dyskinesia, primary, 37 (CILD37). Also called: CILIARY DYSKINESIA, PRIMARY, 37, WITH OR WITHOUT SITUS INVERSUS. Identifiers: MedGen C4539798, MONDO:0033204, OMIM 617577.
Spermatogenic failure 18. Identifiers: MedGen C4539783, MONDO:0054615, OMIM 617576.

Allele frequency attached by ClinVar (database versions not stated): gnomAD exomes 0.00001; TOPMed 0.00001.
gnomAD v4.1: 7 of 1,613,978 alleles (0.00043%); highest among the groups gnomAD compares: Non-Finnish European, 0.00059%; no homozygotes.

Submissions (2):

GeneDx
Classification: Uncertain significance. Last evaluated: 2025-05-25. Review status: criteria provided, single submitter. Criteria: GeneDx Variant Classification Process June 2021. Collection method: clinical testing. Allele origin: germline. Affected: yes.
Comment: Not observed at significant frequency in large population cohorts (gnomAD); In silico analysis supports that this missense variant has a deleterious effect on protein structure/function; Has not been previously published as pathogenic or benign to our knowledge

Labcorp Genetics (formerly Invitae), Labcorp
Classification: Uncertain significance for Ciliary dyskinesia, primary, 37; Spermatogenic failure 18. Last evaluated: 2021-12-02. Review status: criteria provided, single submitter. Criteria: Invitae Variant Classification Sherloc (09022015). Collection method: clinical testing. Allele origin: germline.
Comment: In summary, the available evidence is currently insufficient to determine the role of this variant in disease. Therefore, it has been classified as a Variant of Uncertain Significance. Advanced modeling of protein sequence and biophysical properties (such as structural, functional, and spatial information, amino acid conservation, physicochemical variation, residue mobility, and thermodynamic stability) performed at Invitae indicates that this missense variant is expected to disrupt DNAH1 protein function. This variant has not been reported in the literature in individuals affected with DNAH1-related conditions. This variant is not present in population databases (gnomAD no frequency). This sequence change replaces glutamic acid, which is acidic and polar, with aspartic acid, which is acidic and polar, at codon 2611 of the DNAH1 protein (p.Glu2611Asp).